The following is an entry in ClinVar:

NM_002558.4(P2RX1):c.31G>A (p.Ala11Thr)

Gene: P2RX1 (purinergic receptor P2X 1; minus strand). Cytogenetic location: 17p13.2.
Variant type: single nucleotide variant.
Coding change: c.31G>A on transcript NM_002558.4 (MANE Select); coding-DNA position 31, G replaced by A.
Protein change: p.Ala11Thr; replaces alanine 11 with threonine.
Molecular consequence: missense variant.
Genome position (GRCh38, 1-based): chr17:3,916,195, C>T on the plus strand (G>A on the coding strand, the complement: P2RX1 is on the minus strand). VCF-style: chr17-3916195-C-T. GRCh37 (hg19) VCF-style: chr17-3819489-C-T.
Other names: short protein forms A11T.
Identifiers: ClinVar variation 3041991 (VCV003041991.2), dbSNP rs148431194, ClinGen allele CA8296528.

ClinVar aggregate classification (germline): Likely benign (0 of 4 stars; one submission).

Conditions:
P2RX1-related disorder. Also called: P2RX1-related condition.

Allele frequency attached by ClinVar (database versions not stated): 1000 Genomes Project 30x 0.00016; 1000 Genomes Project 0.00020; TOPMed 0.00020; ESP Exome Variant Server 0.00023; gnomAD exomes 0.00024; gnomAD 0.00028; ExAC 0.00039.
gnomAD v4.1: 403 of 1,613,124 alleles (0.025%); highest among the groups gnomAD compares: South Asian, 0.1%; 2 homozygotes.

Submission:

PreventionGenetics, part of Exact Sciences
Classification: Likely benign for P2RX1-related condition. Last evaluated: 2023-03-16. Review status: no assertion criteria provided. Collection method: clinical testing. Allele origin: germline.
Comment: This variant is classified as likely benign based on ACMG/AMP sequence variant interpretation guidelines (Richards et al. 2015 PMID: 25741868, with internal and published modifications).